The following is an entry in ClinVar:

NM_001164508.2(NEB):c.20059A>T (p.Lys6687Ter)

Gene: NEB (nebulin; minus strand). Cytogenetic location: 2q23.3.
Variant type: single nucleotide variant.
Coding change: c.20059A>T on transcript NM_001164508.2 (MANE Select); coding-DNA position 20059, A replaced by T.
Protein change: p.Lys6687Ter; replaces lysine 6687 with a stop codon.
Molecular consequence: nonsense.
Genome position (GRCh38, 1-based): chr2:151,548,406, T>A on the plus strand (A>T on the coding strand, the complement: NEB is on the minus strand). VCF-style: chr2-151548406-T-A. GRCh37 (hg19) VCF-style: chr2-152404920-T-A.
Other names: c.20059A>T, p.Lys6687Ter (NM_001164507.2, NM_001271208.2); c.14956A>T, p.Lys4986Ter (NM_004543.5); short protein forms K4986*, K6687*.
Identifiers: ClinVar variation 1725140 (VCV001725140.2), dbSNP rs2552180969, ClinGen allele CA348784541.

ClinVar aggregate classification (germline): Likely pathogenic (1 of 4 stars; one submission).

Conditions:
Nemaline myopathy 2 (NEM2). Also called: Nemaline myopathy 2, autosomal recessive. Identifiers: MedGen C1850569, MONDO:0009725, OMIM 256030.

Submission:

Myriad Genetics, Inc.
Classification: Likely pathogenic for Nemaline myopathy 2. Last evaluated: 2022-03-09. Review status: criteria provided, single submitter. Criteria: Myriad Women's Health Autosomal Recessive and X-Linked Classification Criteria (2021). Collection method: clinical testing. Allele origin: unknown.
Comment: NM_001271208.1(NEB):c.20059A>T(K6687*) is expected to be pathogenic in the context of NEB-related nemaline myopathy. This variant is predicted to lead to an abnormal or absent protein product due to the creation of a premature termination codon in NEB, a gene where loss-of-function variants are known to be pathogenic. Please note: this variant was assessed in the context of healthy population screening.